The following is an entry in ClinVar:

ClinVar aggregate classification (germline): Uncertain significance (1 of 4 stars; one submission).

Allele frequency attached by ClinVar (database versions not stated): gnomAD exomes below 0.00001.
gnomAD v4.1: 3 of 1,614,130 alleles (0.00019%); highest among the groups gnomAD compares: Admixed American, 0.0017%; no homozygotes.

Submission:

Labcorp Genetics (formerly Invitae), Labcorp
Classification: Uncertain significance. Last evaluated: 2024-10-23. Review status: criteria provided, single submitter. Criteria: Invitae Variant Classification Sherloc (09022015). Collection method: clinical testing. Allele origin: germline.
Comment: This sequence change replaces isoleucine, which is neutral and non-polar, with valine, which is neutral and non-polar, at codon 849 of the EXTL3 protein (p.Ile849Val). This variant is not present in population databases (gnomAD no frequency). This variant has not been reported in the literature in individuals affected with EXTL3-related conditions. ClinVar contains an entry for this variant (Variation ID: 2132399). Invitae Evidence Modeling of protein sequence and biophysical properties (such as structural, functional, and spatial information, amino acid conservation, physicochemical variation, residue mobility, and thermodynamic stability) indicates that this missense variant is not expected to disrupt EXTL3 protein function with a negative predictive value of 80%. In summary, the available evidence is currently insufficient to determine the role of this variant in disease. Therefore, it has been classified as a Variant of Uncertain Significance.

NM_001440.4(EXTL3):c.2545A>G (p.Ile849Val)

Gene: EXTL3 (exostosin like glycosyltransferase 3; plus strand). Cytogenetic location: 8p21.1.
Variant type: single nucleotide variant.
Coding change: c.2545A>G on transcript NM_001440.4 (MANE Select); coding-DNA position 2545, A replaced by G.
Protein change: p.Ile849Val; replaces isoleucine 849 with valine.
Molecular consequence: missense variant. On other transcripts: non-coding transcript variant (1).
Genome position (GRCh38, 1-based): chr8:28,743,209, A>G. VCF-style: chr8-28743209-A-G. GRCh37 (hg19) VCF-style: chr8-28600726-A-G.
Other names: short protein forms I849V.
Identifiers: ClinVar variation 2132399 (VCV002132399.4), dbSNP rs2486735626, ClinGen allele CA370849822.
Genomic context (GRCh38, chr8:28,743,209, plus strand): 5'-ATCAACTGTGAGGACATTGCCATGAACTTCCTTGTCTCCCACATCACTCGGAAGCCCCCC[A>G]TCAAGGTGAGGTCCCACCACTGGTGGGGCTGTGGATGCGTGCATGTTTACTTCACTTGTT-3'
Protein context (NP_001431.1, residues 839-859): LVSHITRKPP[Ile849Val]KVTSRWTFRC